The following is an entry in ClinVar:

NM_000138.5(FBN1):c.8049A>G (p.Gln2683=)

Gene: FBN1 (fibrillin 1; minus strand). Cytogenetic location: 15q21.1.
Variant type: single nucleotide variant.
Coding change: c.8049A>G on transcript NM_000138.5 (MANE Select); coding-DNA position 8049, A replaced by G.
Protein change: p.Gln2683=; no amino-acid change (glutamine 2683 retained).
Molecular consequence: synonymous variant.
Genome position (GRCh38, 1-based): chr15:48,415,538, T>C on the plus strand (A>G on the coding strand, the complement: FBN1 is on the minus strand). VCF-style: chr15-48415538-T-C. GRCh37 (hg19) VCF-style: chr15-48707735-T-C.
Identifiers: ClinVar variation 512365 (VCV000512365.14), dbSNP rs1208510012, ClinGen allele CA490119116.

ClinVar aggregate classification (germline): Likely benign. Review status: criteria provided, multiple submitters, no conflicts (2 of 4 stars). 6 submissions from 6 submitters: Likely benign (6). Last evaluated 2025-09-23.

Conditions:
Familial thoracic aortic aneurysm and aortic dissection (TAAD). Also called: Thoracic aortic aneurysms and dissections. Identifiers: Orphanet 91387, MedGen C4707243, MONDO:0019625.
Marfan syndrome (MFS). Also called: Marfan syndrome type 1; Marfan syndrome, classic; Marfan's syndrome; FBN1-Related Marfan Syndrome; MARFAN SYNDROME, TYPE I. Identifiers: Orphanet 284963, Orphanet 558, MedGen C0024796, MONDO:0007947, OMIM 154700.

Allele frequency attached by ClinVar (database versions not stated): gnomAD exomes below 0.00001 and 0.00001.
gnomAD v4.1: 6 of 1,610,134 alleles (0.00037%); highest among the groups gnomAD compares: South Asian, 0.0033%; no homozygotes.

Submissions (6):

Labcorp Genetics (formerly Invitae), Labcorp
Classification: Likely benign for Marfan syndrome; Familial thoracic aortic aneurysm and aortic dissection. Last evaluated: 2025-09-23. Review status: criteria provided, single submitter. Criteria: Invitae Variant Classification Sherloc (09022015). Collection method: clinical testing. Allele origin: germline.

All of Us Research Program, National Institutes of Health
Classification: Likely benign for Marfan syndrome. Last evaluated: 2024-03-14. Review status: criteria provided, single submitter. Criteria: ACMG Guidelines, 2015. Collection method: clinical testing. Allele origin: germline. Inheritance: Autosomal dominant inheritance. Observed: 2 variant alleles, 2 heterozygotes.
Comment: This study involves interpretation of variants in research participants for the purpose of population health screening. Participant phenotype was not available at the time of variant classification. Additional details can be found in publication PMID: 35346344, PMCID: PMC8962531

Blueprint Genetics
Classification: Likely benign. Last evaluated: 2022-10-24. Review status: criteria provided, single submitter. Criteria: ACMG Guidelines, 2015. Collection method: clinical testing. Allele origin: germline.

CHEO Genetics Diagnostic Laboratory, Children's Hospital of Eastern Ontario
Classification: Likely benign for Familial thoracic aortic aneurysm and aortic dissection. Last evaluated: 2022-07-08. Review status: criteria provided, single submitter. Criteria: ACMG Guidelines, 2015. Collection method: clinical testing. Allele origin: germline.

Color Diagnostics, LLC DBA Color Health
Classification: Likely benign for Familial thoracic aortic aneurysm and aortic dissection. Last evaluated: 2019-05-04. Review status: criteria provided, single submitter. Criteria: ACMG Guidelines, 2015. Collection method: clinical testing. Allele origin: germline.

GeneDx
Classification: Likely benign. Last evaluated: 2017-09-28. Review status: criteria provided, single submitter. Criteria: GeneDx Variant Classification (06012015). Collection method: clinical testing. Allele origin: germline. Affected: yes.
Comment: This variant is considered likely benign or benign based on one or more of the following criteria: it is a conservative change, it occurs at a poorly conserved position in the protein, it is predicted to be benign by multiple in silico algorithms, and/or has population frequency not consistent with disease.